The following is an entry in ClinVar:

ClinVar aggregate classification (germline): Benign (1 of 4 stars; one submission).

gnomAD v4.1: 14,789 of 1,464,034 alleles (1%); highest among the groups gnomAD compares: Non-Finnish European, 1.2%; 93 homozygotes.

Submission:

CeGaT Center for Human Genetics Tuebingen
Classification: Benign. Last evaluated: 2026-01-01. Review status: criteria provided, single submitter. Criteria: CeGaT Center For Human Genetics Tuebingen Variant Classification Criteria Version 2. Collection method: clinical testing. Allele origin: germline. Affected: yes. Observed: 2 variant alleles.
Comment: MMEL1: BS1, BS2; MMEL1-AS1: BS1, BS2

NM_033467.4(MMEL1):c.-16G>C

Genes: MMEL1 (membrane metalloendopeptidase like 1; minus strand), MMEL1-AS1 (MMEL1 antisense RNA 1; plus strand), LOC121967050 (Sharpr-MPRA regulatory region 11692; plus strand). Cytogenetic location: 1p36.32.
Variant type: single nucleotide variant.
Coding change: c.-16G>C on transcript NM_033467.4 (MANE Select); 16 bases upstream of the start codon, G replaced by C.
Molecular consequence: 5 prime UTR variant.
Genome position (GRCh38, 1-based): chr1:2,629,500, C>G on the plus strand (G>C on the coding strand, the complement: MMEL1 is on the minus strand). VCF-style: chr1-2629500-C-G. GRCh37 (hg19) VCF-style: chr1-2560939-C-G.
Identifiers: ClinVar variation 4280791 (VCV004280791.7).
Genomic context (GRCh38, chr1:2,629,500, plus strand): 5'-GCCGGCGCTCTCCACCATCCCCACTGGGCCTTCGGACTTCCCCATCAGCAGGGCTCTGGA[C>G]GGGAGAGCACCGCGGAGGAACCTGCAGGCCCAGGGCAGGGGAGAGGGGAGAGGGGCGTGG-3'